The following is an entry in ClinVar:

NM_001394154.1(RGS12):c.2400A>G (p.Pro800=)

Genes: RGS12 (regulator of G protein signaling 12; plus strand), LOC126806950 (MED14-independent group 3 enhancer GRCh37_chr4:3417810-3419009; plus strand). Cytogenetic location: 4p16.3.
Variant type: single nucleotide variant.
Coding change: c.2400A>G on transcript NM_001394154.1 (MANE Select); coding-DNA position 2400, A replaced by G.
Protein change: p.Pro800=; no amino-acid change (proline 800 retained).
Molecular consequence: synonymous variant. On other transcripts: 5 prime UTR variant (3).
Genome position (GRCh38, 1-based): chr4:3,416,094, A>G. VCF-style: chr4-3416094-A-G. GRCh37 (hg19) VCF-style: chr4-3417821-A-G.
Other names: c.2400A>G, p.Pro800= (NM_001394155.1, NM_001394156.1, NM_001394157.1 and 3 more transcripts); c.-4A>G (NM_001394161.1, NM_001394162.1, NM_001394163.1); c.456A>G, p.Pro152= (NM_198227.2).
Identifiers: ClinVar variation 2654600 (VCV002654600.24), dbSNP rs146573735, ClinGen allele CA2826985.

ClinVar aggregate classification (germline): Likely benign (1 of 4 stars; one submission).

Allele frequency attached by ClinVar (database versions not stated): 1000 Genomes Project 0.00060; 1000 Genomes Project 30x 0.00062; ExAC 0.00105; TOPMed 0.00122; gnomAD 0.00129; ESP Exome Variant Server 0.00138; gnomAD exomes 0.00174.
gnomAD v4.1: 2,678 of 1,614,072 alleles (0.17%); highest among the groups gnomAD compares: Non-Finnish European, 0.22%; 4 homozygotes.

Submission:

CeGaT Center for Human Genetics Tuebingen
Classification: Likely benign. Last evaluated: 2023-03-01. Review status: criteria provided, single submitter. Criteria: CeGaT Center For Human Genetics Tuebingen Variant Classification Criteria Version 2. Collection method: clinical testing. Allele origin: germline. Affected: yes. Observed: 3 variant alleles.
Comment: RGS12: BP4, BP7